The following is an entry in ClinVar:

ClinVar aggregate classification (germline): Uncertain significance. Review status: criteria provided, multiple submitters, no conflicts (2 of 4 stars). 2 submissions from 2 submitters: Uncertain significance (2). Last evaluated 2025-06-20.

Conditions:
Dilated cardiomyopathy 1DD (CMD1DD). Identifiers: Orphanet 154, MedGen C2750995, MONDO:0013168, OMIM 613172.

Allele frequency attached by ClinVar (database versions not stated): gnomAD exomes below 0.00001.
gnomAD v4.1: 5 of 1,551,790 alleles (0.00032%); highest among the groups gnomAD compares: Non-Finnish European, 0.00035%; 1 homozygote.

Submissions (2):

Labcorp Genetics (formerly Invitae), Labcorp
Classification: Uncertain significance for Dilated cardiomyopathy 1DD. Last evaluated: 2025-06-20. Review status: criteria provided, single submitter. Criteria: Invitae Variant Classification Sherloc (09022015). Collection method: clinical testing. Allele origin: germline.
Comment: This sequence change replaces histidine, which is basic and polar, with tyrosine, which is neutral and polar, at codon 409 of the RBM20 protein (p.His409Tyr). This variant is present in population databases (no rsID available, gnomAD 0.002%). This variant has not been reported in the literature in individuals affected with RBM20-related conditions. ClinVar contains an entry for this variant (Variation ID: 2063982). Invitae Evidence Modeling of protein sequence and biophysical properties (such as structural, functional, and spatial information, amino acid conservation, physicochemical variation, residue mobility, and thermodynamic stability) indicates that this missense variant is not expected to disrupt RBM20 protein function with a negative predictive value of 95%. In summary, the available evidence is currently insufficient to determine the role of this variant in disease. Therefore, it has been classified as a Variant of Uncertain Significance.

Women's Health and Genetics/Laboratory Corporation of America, LabCorp
Classification: Uncertain significance. Last evaluated: 2025-03-24. Review status: criteria provided, single submitter. Criteria: LabCorp Variant Classification Summary - May 2015. Collection method: clinical testing. Allele origin: germline.

NM_001134363.3(RBM20):c.1225C>T (p.His409Tyr)

Gene: RBM20 (RNA binding motif protein 20; plus strand). Cytogenetic location: 10q25.2.
Variant type: single nucleotide variant.
Coding change: c.1225C>T on transcript NM_001134363.3 (MANE Select); coding-DNA position 1225, C replaced by T.
Protein change: p.His409Tyr; replaces histidine 409 with tyrosine.
Molecular consequence: missense variant.
Genome position (GRCh38, 1-based): chr10:110,781,834, C>T. VCF-style: chr10-110781834-C-T. GRCh37 (hg19) VCF-style: chr10-112541592-C-T.
Other names: short protein forms H409Y.
Identifiers: ClinVar variation 2063982 (VCV002063982.3), dbSNP rs1267811317, ClinGen allele CA378386037.